The following is an entry in ClinVar:

ClinVar aggregate classification (germline): Pathogenic (1 of 4 stars; one submission).

Conditions:
Osteogenesis imperfecta type I (OI1). Also called: Classic Non-deforming Osteogenesis Imperfecta with Blue Sclerae; OI, TYPE I; OSTEOGENESIS IMPERFECTA TARDA; OSTEOGENESIS IMPERFECTA WITH BLUE SCLERAE; Osteogenesis imperfecta type 1; Lobstein's Disease. Identifiers: Orphanet 216796, Orphanet 666, MedGen C0023931, MONDO:0008146, OMIM 166200. Disease mechanism: loss of function.

Submission:

Labcorp Genetics (formerly Invitae), Labcorp
Classification: Pathogenic for Osteogenesis imperfecta type I. Last evaluated: 2021-02-20. Review status: criteria provided, single submitter. Criteria: Invitae Variant Classification Sherloc (09022015). Collection method: clinical testing. Allele origin: germline.
Comment: This sequence change creates a premature translational stop signal (p.Gly467Leufs*70) in the COL1A1 gene. It is expected to result in an absent or disrupted protein product. Loss-of-function variants in COL1A1 are known to be pathogenic (PMID: 7942841, 9295084, 9443882). This variant is not present in population databases (ExAC no frequency). This variant has not been reported in the literature in individuals with COL1A1-related conditions. For these reasons, this variant has been classified as Pathogenic.

Literature cited by the submitters: PubMed 7942841; PubMed 9295084; PubMed 9443882.

NM_000088.4(COL1A1):c.1398_1410del (p.Gly467fs)

Gene: COL1A1 (collagen type I alpha 1 chain; minus strand). Cytogenetic location: 17q21.33.
Variant type: Deletion.
Coding change: c.1398_1410del on transcript NM_000088.4 (MANE Select); coding-DNA positions 1398 to 1410, 13 bases deleted (AGGAAAGCGAGGA).
Protein change: p.Gly467fs; shifts the reading frame from glycine 467.
Molecular consequence: frameshift variant.
Genome position (GRCh38, 1-based): chr17:50,194,772-50,194,784, TCCTCGCTTTCCT deleted on the plus strand (AGGAAAGCGAGGA on the coding strand, the reverse complement: COL1A1 is on the minus strand); deleting any 13 consecutive bases within chr17:50,194,772-50,194,789 gives the same sequence; the c. name uses the placement nearest the transcript's 3' end. VCF-style (leftmost placement, unchanged base first): chr17-50194771-CTCCTCGCTTTCCT-C. GRCh37 (hg19) VCF-style: chr17-48272132-CTCCTCGCTTTCCT-C.
Other names: short protein forms G467fs.
Identifiers: ClinVar variation 1415249 (VCV001415249.6), dbSNP rs2144573246, ClinGen allele CA2573154188.